The following is an entry in ClinVar:

ClinVar aggregate classification (germline): Conflicting classifications of pathogenicity. Review status: criteria provided, conflicting classifications (1 of 4 stars). 2 submissions from 2 submitters: Uncertain significance (1); Likely benign (1). Last evaluated 2024-11-21.

Conditions:
Vici syndrome (VICIS). Identifiers: Orphanet 1493, MedGen C1855772, MONDO:0009452, OMIM 242840.

Allele frequency attached by ClinVar (database versions not stated): gnomAD 0.00003; gnomAD exomes 0.00004 and 0.00007; TOPMed 0.00004; ExAC 0.00005.
gnomAD v4.1: 107 of 1,535,462 alleles (0.007%); highest among the groups gnomAD compares: Middle Eastern, 0.085%; no homozygotes.

Submissions (2):

Blueprint Genetics
Classification: Likely benign. Last evaluated: 2024-11-21. Review status: criteria provided, single submitter. Criteria: ACMG Guidelines, 2015. Collection method: clinical testing. Allele origin: germline.

Labcorp Genetics (formerly Invitae), Labcorp
Classification: Uncertain significance for Vici syndrome. Last evaluated: 2022-08-02. Review status: criteria provided, single submitter. Criteria: Invitae Variant Classification Sherloc (09022015). Collection method: clinical testing. Allele origin: germline.
Comment: This sequence change replaces alanine, which is neutral and non-polar, with threonine, which is neutral and polar, at codon 904 of the EPG5 protein (p.Ala904Thr). This variant is present in population databases (rs754355395, gnomAD 0.01%). This variant has not been reported in the literature in individuals affected with EPG5-related conditions. ClinVar contains an entry for this variant (Variation ID: 1412578). Algorithms developed to predict the effect of missense changes on protein structure and function output the following: SIFT: "Tolerated"; PolyPhen-2: "Benign"; Align-GVGD: "Class C0". The threonine amino acid residue is found in multiple mammalian species, which suggests that this missense change does not adversely affect protein function. In summary, the available evidence is currently insufficient to determine the role of this variant in disease. Therefore, it has been classified as a Variant of Uncertain Significance.

NM_020964.3(EPG5):c.2710G>A (p.Ala904Thr)

Gene: EPG5 (ectopic P-granules 5 autophagy tethering factor; minus strand). Cytogenetic location: 18q21.1.
Variant type: single nucleotide variant.
Coding change: c.2710G>A on transcript NM_020964.3 (MANE Select); coding-DNA position 2710, G replaced by A.
Protein change: p.Ala904Thr; replaces alanine 904 with threonine.
Molecular consequence: missense variant.
Genome position (GRCh38, 1-based): chr18:45,925,746, C>T on the plus strand (G>A on the coding strand, the complement: EPG5 is on the minus strand). VCF-style: chr18-45925746-C-T. GRCh37 (hg19) VCF-style: chr18-43505712-C-T.
Other names: short protein forms A904T.
Identifiers: ClinVar variation 1412578 (VCV001412578.7), dbSNP rs754355395, ClinGen allele CA8949362.